The following is an entry in ClinVar:

NM_018417.6(ADCY10):c.1362A>T (p.Ala454=)

Genes: ADCY10 (adenylate cyclase 10; minus strand), DCAF6 (DDB1 and CUL4 associated factor 6; plus strand). Cytogenetic location: 1q24.2.
Variant type: single nucleotide variant.
Coding change: c.1362A>T on transcript NM_018417.6 (MANE Select); coding-DNA position 1362, A replaced by T.
Protein change: p.Ala454=; no amino-acid change (alanine 454 retained).
Molecular consequence: synonymous variant.
Genome position (GRCh38, 1-based): chr1:167,878,490, T>A on the plus strand (A>T on the coding strand, the complement: ADCY10 is on the minus strand). VCF-style: chr1-167878490-T-A. GRCh37 (hg19) VCF-style: chr1-167847728-T-A.
Other names: c.903A>T, p.Ala301= (NM_001167749.3); c.1086A>T, p.Ala362= (NM_001297772.2).
Identifiers: ClinVar variation 2894612 (VCV002894612.5), dbSNP rs560395868, ClinGen allele CA1227976.
Genomic context (GRCh38, chr1:167,878,490, plus strand): 5'-AATGCTCCACACTCACACTTTCTCAGTACGGCCCCAATACTGATACAATGGTCCAGAATC[T>A]GCAACACCTTTCATAACTTTCTTTGGAAGCTCTTTAAAAAAGTACGCTGGTAGGTTGCTC-3'
Protein context (NP_060887.2, residues 444-464): ELPKKVMKGV[Ala454=]DSGPLYQYWG

ClinVar aggregate classification (germline): Benign. Review status: criteria provided, single submitter (1 of 4 stars). 2 submissions from 2 submitters: Benign (1). 1 of the submissions does not count toward it. Last evaluated 2025-09-29.

Conditions:
ADCY10-related disorder. Also called: ADCY10-related condition.

Allele frequency attached by ClinVar (database versions not stated): gnomAD 0.00010; 1000 Genomes Project 30x 0.00047; TOPMed 0.00006; ExAC 0.00036; gnomAD exomes 0.00018; 1000 Genomes Project 0.00060.
gnomAD v4.1: 272 of 1,614,174 alleles (0.017%); highest among the groups gnomAD compares: South Asian, 0.25%; 5 homozygotes.

Submissions (2):

Labcorp Genetics (formerly Invitae), Labcorp
Classification: Benign. Last evaluated: 2025-09-29. Review status: criteria provided, single submitter. Criteria: Invitae Variant Classification Sherloc (09022015). Collection method: clinical testing. Allele origin: germline.

PreventionGenetics, part of Exact Sciences
Classification: Likely benign for ADCY10-related condition. Last evaluated: 2019-12-30. Review status: no assertion criteria provided. Collection method: clinical testing. Allele origin: germline. Not counted in ClinVar's aggregate classification.
Comment: This variant is classified as likely benign based on ACMG/AMP sequence variant interpretation guidelines (Richards et al. 2015 PMID: 25741868, with internal and published modifications).